The following is an entry in ClinVar:

ClinVar aggregate classification (germline): Uncertain significance (1 of 4 stars; one submission).

Conditions:
Neurofibromatosis, type 1 (NF1). Also called: Peripheral type neurofibromatosis; VON RECKLINGHAUSEN DISEASE; Neurofibromatosis, type I; NEUROFIBROMATOSIS, TYPE I, SOMATIC. Identifiers: Orphanet 636, MedGen C0027831, MONDO:0018975, OMIM 162200. Disease mechanism: loss of function.

Submission:

Labcorp Genetics (formerly Invitae), Labcorp
Classification: Uncertain significance for Neurofibromatosis, type 1. Last evaluated: 2022-01-22. Review status: criteria provided, single submitter. Criteria: Invitae Variant Classification Sherloc (09022015). Collection method: clinical testing. Allele origin: germline.
Comment: In summary, the available evidence is currently insufficient to determine the role of this variant in disease. Therefore, it has been classified as a Variant of Uncertain Significance. Advanced modeling of protein sequence and biophysical properties (such as structural, functional, and spatial information, amino acid conservation, physicochemical variation, residue mobility, and thermodynamic stability) performed at Invitae indicates that this missense variant is expected to disrupt NF1 protein function. This variant has not been reported in the literature in individuals affected with NF1-related conditions. This variant is not present in population databases (gnomAD no frequency). This sequence change replaces leucine, which is neutral and non-polar, with valine, which is neutral and non-polar, at codon 2079 of the NF1 protein (p.Leu2079Val).

NM_001042492.3(NF1):c.6298C>G (p.Leu2100Val)

Gene: NF1 (neurofibromin 1; plus strand). Cytogenetic location: 17q11.2.
Variant type: single nucleotide variant.
Coding change: c.6298C>G on transcript NM_001042492.3 (MANE Select); coding-DNA position 6298, C replaced by G.
Protein change: p.Leu2100Val; replaces leucine 2100 with valine.
Molecular consequence: missense variant.
Genome position (GRCh38, 1-based): chr17:31,336,785, C>G. VCF-style: chr17-31336785-C-G. GRCh37 (hg19) VCF-style: chr17-29663803-C-G.
Other names: c.6235C>G, p.Leu2079Val (NM_000267.4); short protein forms L2079V, L2100V.
Identifiers: ClinVar variation 1971168 (VCV001971168.5), dbSNP rs2069686615, ClinGen allele CA399012236.